The following is an entry in ClinVar:

NM_130810.4(DNAAF4):c.858A>T (p.Glu286Asp)

Genes: DNAAF4 (dynein axonemal assembly factor 4; minus strand), DNAAF4-CCPG1 (DNAAF4-CCPG1 readthrough (NMD candidate); minus strand). Cytogenetic location: 15q21.3.
Variant type: single nucleotide variant.
Coding change: c.858A>T on transcript NM_130810.4 (MANE Select); coding-DNA position 858, A replaced by T.
Protein change: p.Glu286Asp; replaces glutamic acid 286 with aspartic acid.
Molecular consequence: missense variant. On other transcripts: non-coding transcript variant (1).
Genome position (GRCh38, 1-based): chr15:55,439,507, T>A on the plus strand (A>T on the coding strand, the complement: DNAAF4 is on the minus strand). VCF-style: chr15-55439507-T-A. GRCh37 (hg19) VCF-style: chr15-55731705-T-A.
Other names: c.858A>T, p.Glu286Asp (NM_001033559.3, NM_001033560.2); short protein forms E286D.
Identifiers: ClinVar variation 525280 (VCV000525280.8), dbSNP rs74375435, ClinGen allele CA7574908.

ClinVar aggregate classification (germline): Uncertain significance. Review status: criteria provided, multiple submitters, no conflicts (2 of 4 stars). 2 submissions from 2 submitters: Uncertain significance (2). Last evaluated 2024-12-06.

Conditions:
Inborn genetic diseases. Identifiers: MedGen C0950123, MeSH D030342.

Allele frequency attached by ClinVar (database versions not stated): TOPMed 0.00036; ESP Exome Variant Server 0.00015; 1000 Genomes Project 30x 0.00016; gnomAD 0.00036.
gnomAD v4.1: 66 of 1,614,152 alleles (0.0041%); highest among the groups gnomAD compares: African/African-American, 0.081%; no homozygotes.

Submissions (2):

Ambry Genetics
Classification: Uncertain significance for Inborn genetic diseases. Last evaluated: 2024-12-06. Review status: criteria provided, single submitter. Criteria: Ambry Variant Classification Scheme 2023. Collection method: clinical testing. Allele origin: germline.

Labcorp Genetics (formerly Invitae), Labcorp
Classification: Uncertain significance. Last evaluated: 2022-08-31. Review status: criteria provided, single submitter. Criteria: Invitae Variant Classification Sherloc (09022015). Collection method: clinical testing. Allele origin: germline.
Comment: This sequence change replaces glutamic acid, which is acidic and polar, with aspartic acid, which is acidic and polar, at codon 286 of the DNAAF4 protein (p.Glu286Asp). This variant is present in population databases (rs74375435, gnomAD 0.1%). This variant has not been reported in the literature in individuals affected with DNAAF4-related conditions. ClinVar contains an entry for this variant (Variation ID: 525280). Algorithms developed to predict the effect of missense changes on protein structure and function (SIFT, PolyPhen-2, Align-GVGD) all suggest that this variant is likely to be tolerated. In summary, the available evidence is currently insufficient to determine the role of this variant in disease. Therefore, it has been classified as a Variant of Uncertain Significance.